The following is an entry in ClinVar:

ClinVar aggregate classification (germline): Uncertain significance. Review status: criteria provided, multiple submitters, no conflicts (2 of 4 stars). 2 submissions from 2 submitters: Uncertain significance (2). Last evaluated 2025-08-24.

gnomAD v4.1: 66 of 1,587,532 alleles (0.0042%); highest among the groups gnomAD compares: Non-Finnish European, 0.0054%; no homozygotes.

Submissions (2):

Ambry Genetics
Classification: Uncertain significance. Last evaluated: 2025-08-24. Review status: criteria provided, single submitter. Criteria: Ambry Variant Classification Scheme 2023. Collection method: clinical testing. Allele origin: germline.

GeneDx
Classification: Uncertain significance. Last evaluated: 2024-08-06. Review status: criteria provided, single submitter. Criteria: GeneDx Variant Classification Process June 2021. Collection method: clinical testing. Allele origin: germline.
Comment: In silico analysis supports that this missense variant does not alter protein structure/function; Has not been previously published as pathogenic or benign to our knowledge; Variants in candidate genes are classified as variants of uncertain significance in accordance with ACMG guidelines (PMID: 25741868)

NM_006016.6(CD164):c.96C>A (p.Asn32Lys)

Gene: CD164 (CD164 molecule; minus strand). Cytogenetic location: 6q21.
Variant type: single nucleotide variant.
Coding change: c.96C>A on transcript NM_006016.6 (MANE Select); coding-DNA position 96, C replaced by A.
Protein change: p.Asn32Lys; replaces asparagine 32 with lysine.
Molecular consequence: missense variant.
Genome position (GRCh38, 1-based): chr6:109,382,283, G>T on the plus strand (C>A on the coding strand, the complement: CD164 is on the minus strand). VCF-style: chr6-109382283-G-T. GRCh37 (hg19) VCF-style: chr6-109703486-G-T.
Other names: c.96C>A, p.Asn32Lys (NM_001142401.3, NM_001142402.3, NM_001142403.3 and 1 more transcripts); short protein forms N32K.
Identifiers: ClinVar variation 4222591 (VCV004222591.2).